The following is an entry in ClinVar:

NM_000053.4(ATP7B):c.3280T>C (p.Phe1094Leu)

Gene: ATP7B (ATPase copper transporting beta; minus strand). Cytogenetic location: 13q14.3.
Variant type: single nucleotide variant.
Coding change: c.3280T>C on transcript NM_000053.4 (MANE Select); coding-DNA position 3280, T replaced by C.
Protein change: p.Phe1094Leu; replaces phenylalanine 1094 with leucine.
Molecular consequence: missense variant.
Genome position (GRCh38, 1-based): chr13:51,942,518, A>G on the plus strand (T>C on the coding strand, the complement: ATP7B is on the minus strand). VCF-style: chr13-51942518-A-G. GRCh37 (hg19) VCF-style: chr13-52516654-A-G.
Other names: c.2659T>C, p.Phe887Leu (NM_001005918.3); c.2947T>C, p.Phe983Leu (NM_001243182.2); c.3046T>C, p.Phe1016Leu (NM_001330578.2); c.3028T>C, p.Phe1010Leu (NM_001330579.2); short protein forms F1016L, F983L, F1094L, F887L, F1010L.
Identifiers: ClinVar variation 1380744 (VCV001380744.6), dbSNP rs1397083296, ClinGen allele CA388028775.

ClinVar aggregate classification (germline): Pathogenic (1 of 4 stars; one submission).

Conditions:
Wilson disease (WND). Also called: Wilson's disease. Identifiers: Orphanet 905, MedGen C0019202, MONDO:0010200, OMIM 277900. Disease mechanism: loss of function.

Allele frequency attached by ClinVar (database versions not stated): TOPMed below 0.00001; gnomAD 0.00001.
gnomAD v4.1: 1 of 1,614,086 alleles (0.000062%); highest among the groups gnomAD compares: African/African-American, 0.0013%; no homozygotes.

Submission:

Labcorp Genetics (formerly Invitae), Labcorp
Classification: Pathogenic for Wilson disease. Last evaluated: 2021-09-10. Review status: criteria provided, single submitter. Criteria: Invitae Variant Classification Sherloc (09022015). Collection method: clinical testing. Allele origin: germline.
Comment: Advanced modeling of protein sequence and biophysical properties (such as structural, functional, and spatial information, amino acid conservation, physicochemical variation, residue mobility, and thermodynamic stability) performed at Invitae indicates that this missense variant is expected to disrupt ATP7B protein function. This sequence change replaces phenylalanine with leucine at codon 1094 of the ATP7B protein (p.Phe1094Leu). The phenylalanine residue is moderately conserved and there is a small physicochemical difference between phenylalanine and leucine. This variant is not present in population databases (ExAC no frequency). A different variant (c.3282C>A) giving rise to the same protein effect has been determined to be pathogenic (Invitae). This suggests that this variant is also likely to be causative of disease. For these reasons, this variant has been classified as Pathogenic.